The following is an entry in ClinVar:

ClinVar aggregate classification (germline): Uncertain significance. Review status: criteria provided, multiple submitters, no conflicts (2 of 4 stars). 5 submissions from 5 submitters: Uncertain significance (5). Last evaluated 2025-02-24.

Conditions:
Potassium-aggravated myotonia. Also called: MYOTONIA CONGENITA, ACETAZOLAMIDE-RESPONSIVE; MYOTONIA CONGENITA, ATYPICAL; SODIUM CHANNEL MUSCLE DISEASE; Myotonia congenita, atypical, acetazolamide-responsive. Identifiers: Orphanet 612, Orphanet 99734, Orphanet 99735, Orphanet 99736, MedGen C2931826, MONDO:0018959, OMIM 608390.
Hypokalemic periodic paralysis, type 2 (HOKPP2). Identifiers: Orphanet 681, MedGen C2750061, MONDO:0013234, OMIM 613345.
Hyperkalemic periodic paralysis. Also called: Familial hyperkalemic periodic paralysis; Gamstorp disease. Identifiers: Orphanet 682, MedGen C0238357, MONDO:0008224, OMIM 170500, HP:0007215.
Paramyotonia congenita of Von Eulenburg. Also called: PARALYSIS PERIODICA PARAMYOTONICA; Paramyotonia Congenita; Eulenburg disease; Myotonia congenita intermittens; Von Eulenburg paramyotonia congenita. Identifiers: Orphanet 684, MedGen C0221055, MONDO:0008195, OMIM 168300. Disease mechanism: loss of function.
Congenital myasthenic syndrome 16. Identifiers: Orphanet 590, MedGen C3280112, MONDO:0013620, OMIM 614198.
Congenital myopathy 22A, classic (CMYO22A). Identifiers: MedGen C5830453, MONDO:0957247, OMIM 620351.
Congenital myopathy 22B, severe fetal (CMYO22B). Identifiers: MedGen C5830501, MONDO:0957265, OMIM 620369.
Inborn genetic diseases. Identifiers: MedGen C0950123, MeSH D030342.

Allele frequency attached by ClinVar (database versions not stated): gnomAD 0.00001; gnomAD exomes 0.00002; TOPMed 0.00002; ExAC 0.00002.
gnomAD v4.1: 36 of 1,610,488 alleles (0.0022%); highest among the groups gnomAD compares: African/African-American, 0.004%; no homozygotes.

Submissions (5):

Labcorp Genetics (formerly Invitae), Labcorp
Classification: Uncertain significance for Hyperkalemic periodic paralysis. Last evaluated: 2025-02-24. Review status: criteria provided, single submitter. Criteria: Invitae Variant Classification Sherloc (09022015). Collection method: clinical testing. Allele origin: germline.
Comment: This sequence change replaces serine, which is neutral and polar, with leucine, which is neutral and non-polar, at codon 251 of the SCN4A protein (p.Ser251Leu). This variant is present in population databases (rs751884584, gnomAD 0.003%). This variant has not been reported in the literature in individuals affected with SCN4A-related conditions. ClinVar contains an entry for this variant (Variation ID: 1182450). Invitae Evidence Modeling of protein sequence and biophysical properties (such as structural, functional, and spatial information, amino acid conservation, physicochemical variation, residue mobility, and thermodynamic stability) indicates that this missense variant is not expected to disrupt SCN4A protein function with a negative predictive value of 95%. In summary, the available evidence is currently insufficient to determine the role of this variant in disease. Therefore, it has been classified as a Variant of Uncertain Significance.

Ambry Genetics
Classification: Uncertain significance for Inborn genetic diseases. Last evaluated: 2024-05-30. Review status: criteria provided, single submitter. Criteria: Ambry Variant Classification Scheme 2023. Collection method: clinical testing. Allele origin: germline.

Fulgent Genetics
Classification: Uncertain significance for Paramyotonia congenita of Von Eulenburg; Hyperkalemic periodic paralysis; Potassium-aggravated myotonia; Hypokalemic periodic paralysis, type 2; Congenital myasthenic syndrome 16; Congenital myopathy 22A, classic; Congenital myopathy 22B, severe fetal. Last evaluated: 2024-03-29. Review status: criteria provided, single submitter. Criteria: ACMG Guidelines, 2015. Collection method: clinical testing. Allele origin: germline.

Revvity Omics, Revvity
Classification: Uncertain significance. Last evaluated: 2022-09-01. Review status: criteria provided, single submitter. Criteria: ACMG Guidelines, 2015. Collection method: clinical testing. Allele origin: germline.

GeneDx
Classification: Uncertain significance. Last evaluated: 2019-09-25. Review status: criteria provided, single submitter. Criteria: GeneDx Variant Classification Process June 2021. Collection method: clinical testing. Allele origin: germline. Affected: yes.
Comment: Not observed at a significant frequency in large population cohorts (Lek et al., 2016); In silico analysis, which includes protein predictors and evolutionary conservation, supports a deleterious effect; Has not been previously published as pathogenic or benign to our knowledge

NM_000334.4(SCN4A):c.752C>T (p.Ser251Leu)

Gene: SCN4A (sodium voltage-gated channel alpha subunit 4; minus strand). Cytogenetic location: 17q23.3.
Variant type: single nucleotide variant.
Coding change: c.752C>T on transcript NM_000334.4 (MANE Select); coding-DNA position 752, C replaced by T.
Protein change: p.Ser251Leu; replaces serine 251 with leucine.
Molecular consequence: missense variant.
Genome position (GRCh38, 1-based): chr17:63,968,307, G>A on the plus strand (C>T on the coding strand, the complement: SCN4A is on the minus strand). VCF-style: chr17-63968307-G-A. GRCh37 (hg19) VCF-style: chr17-62045667-G-A.
Other names: short protein forms S251L.
Identifiers: ClinVar variation 1182450 (VCV001182450.14), dbSNP rs751884584, ClinGen allele CA8710047.
Genomic context (GRCh38, chr17:63,968,307, plus strand): 5'-AGCTGCAGTCCTACCAGCGCAAAGACGCTCAGGCAGAAGACAGTGAGGATCATCACATCC[G>A]ACAGCTTTTTCACCGACTGGATCAGGGCCCCCACGATCGTCTTCAGCCCTGACCGCAGAG-3'
Protein context (NP_000325.4, residues 241-261): GALIQSVKKL[Ser251Leu]DVMILTVFCL